The following is an entry in ClinVar:

NM_001256545.2(MEGF10):c.1070A>G (p.Glu357Gly)

Gene: MEGF10 (multiple EGF like domains 10; plus strand). Cytogenetic location: 5q23.2.
Variant type: single nucleotide variant.
Coding change: c.1070A>G on transcript NM_001256545.2 (MANE Select); coding-DNA position 1070, A replaced by G.
Protein change: p.Glu357Gly; replaces glutamic acid 357 with glycine.
Molecular consequence: missense variant.
Genome position (GRCh38, 1-based): chr5:127,410,541, A>G. VCF-style: chr5-127410541-A-G. GRCh37 (hg19) VCF-style: chr5-126746233-A-G.
Other names: c.1070A>G, p.Glu357Gly (NM_001308119.2, NM_001308121.2, NM_032446.3); short protein forms E357G.
Identifiers: ClinVar variation 665227 (VCV000665227.7), dbSNP rs1353722744, ClinGen allele CA360726519.
Genomic context (GRCh38, chr5:127,410,541, plus strand): 5'-GCGCATGCCTCTGTGAAGCAGGCTTTGCTGGCGAGCGCTGCGAAGCACGCCTGTGTCCTG[A>G]GGGGCTCTACGGCATCAAATGTGACAAACGGTGTCCCTGCCACCTGGAAAACACTCATAG-3'
Protein context (NP_001243474.1, residues 347-367): GERCEARLCP[Glu357Gly]GLYGIKCDKR

ClinVar aggregate classification (germline): Uncertain significance (1 of 4 stars; one submission).

Conditions:
MEGF10-related myopathy (CMYO10A). Also called: Congenital myopathy 10A, severe variant. Identifiers: Orphanet 439212, MedGen C3280679, MONDO:0013731, OMIM 614399.

Allele frequency attached by ClinVar (database versions not stated): gnomAD exomes 0.00001; TOPMed 0.00001.
gnomAD v4.1: 11 of 1,613,406 alleles (0.00068%); highest among the groups gnomAD compares: Non-Finnish European, 0.00076%; no homozygotes.

Submission:

Labcorp Genetics (formerly Invitae), Labcorp
Classification: Uncertain significance for MEGF10-related myopathy. Last evaluated: 2023-03-10. Review status: criteria provided, single submitter. Criteria: Invitae Variant Classification Sherloc (09022015). Collection method: clinical testing. Allele origin: germline.
Comment: In summary, the available evidence is currently insufficient to determine the role of this variant in disease. Therefore, it has been classified as a Variant of Uncertain Significance. Advanced modeling of protein sequence and biophysical properties (such as structural, functional, and spatial information, amino acid conservation, physicochemical variation, residue mobility, and thermodynamic stability) performed at Invitae indicates that this missense variant is not expected to disrupt MEGF10 protein function. ClinVar contains an entry for this variant (Variation ID: 665227). This variant has not been reported in the literature in individuals affected with MEGF10-related conditions. This variant is not present in population databases (gnomAD no frequency). This sequence change replaces glutamic acid, which is acidic and polar, with glycine, which is neutral and non-polar, at codon 357 of the MEGF10 protein (p.Glu357Gly).